The following is an entry in ClinVar:

NM_002440.4(MSH4):c.2639_2640del (p.Pro880fs)

Gene: MSH4 (mutS homolog 4; plus strand). Cytogenetic location: 1p31.1.
Variant type: Deletion.
Coding change: c.2639_2640del on transcript NM_002440.4 (MANE Select); coding-DNA positions 2639 to 2640, 2 bases deleted (CT; older notation c.2639_2640delCT).
Protein change: p.Pro880fs; shifts the reading frame from proline 880.
Molecular consequence: frameshift variant.
Genome position (GRCh38, 1-based): chr1:75,912,715-75,912,716, CT deleted. VCF-style (leftmost placement, unchanged base first): chr1-75912714-CCT-C. GRCh37 (hg19) VCF-style: chr1-76378399-CCT-C.
Other names: c.2639_2640delCT (NM_002440.4); short protein forms P880fs.
Identifiers: ClinVar variation 4850660 (VCV004850660.1).

ClinVar aggregate classification (germline): Likely pathogenic (1 of 4 stars; one submission).

Conditions:
Premature ovarian failure 20 (POF20). Identifiers: MedGen C5677011, MONDO:0030975, OMIM 619938.
Spermatogenic failure 2. Also called: ASPERMIOGENESIS FACTOR; SPGF2. Identifiers: MedGen C1862459, MONDO:0007161, OMIM 108420.

Submission:

First Genomix Gene Laboratory, Genetic Diagnostics Department
Classification: Likely pathogenic for Premature ovarian failure 20; Spermatogenic failure 2. Last evaluated: 2025-07-31. Review status: criteria provided, single submitter. Criteria: ACMG Guidelines, 2015. Collection method: clinical testing. Allele origin: germline. Inheritance: Autosomal recessive inheritance. Affected: no. Observed: 1 variant allele.